The following is an entry in ClinVar:

ClinVar aggregate classification (germline): Uncertain significance (1 of 4 stars; one submission).

Conditions:
Progressive sclerosing poliodystrophy (MTDPS4A). Also called: ALPERS PROGRESSIVE INFANTILE POLIODYSTROPHY; NEURONAL DEGENERATION OF CHILDHOOD WITH LIVER DISEASE, PROGRESSIVE; Mitochondrial DNA depletion syndrome 4A (Alpers type); Mitochondrial DNA Depletion Syndrome 4A; Alpers-Huttenlocher Syndrome (AHS); Alpers Syndrome. Identifiers: Orphanet 726, MedGen C0205710, MONDO:0008758, OMIM 203700.

Submission:

Labcorp Genetics (formerly Invitae), Labcorp
Classification: Uncertain significance for Progressive sclerosing poliodystrophy. Last evaluated: 2024-01-10. Review status: criteria provided, single submitter. Criteria: Invitae Variant Classification Sherloc (09022015). Collection method: clinical testing. Allele origin: germline.
Comment: This sequence change replaces proline, which is neutral and non-polar, with serine, which is neutral and polar, at codon 563 of the POLG protein (p.Pro563Ser). This variant is not present in population databases (gnomAD no frequency). This variant has not been reported in the literature in individuals affected with POLG-related conditions. Advanced modeling of protein sequence and biophysical properties (such as structural, functional, and spatial information, amino acid conservation, physicochemical variation, residue mobility, and thermodynamic stability) performed at Invitae indicates that this missense variant is not expected to disrupt POLG protein function with a negative predictive value of 95%. In summary, the available evidence is currently insufficient to determine the role of this variant in disease. Therefore, it has been classified as a Variant of Uncertain Significance.

NM_002693.3(POLG):c.1687C>T (p.Pro563Ser)

Gene: POLG (DNA polymerase gamma, catalytic subunit; minus strand). Cytogenetic location: 15q26.1.
Variant type: single nucleotide variant.
Coding change: c.1687C>T on transcript NM_002693.3 (MANE Select); coding-DNA position 1687, C replaced by T.
Protein change: p.Pro563Ser; replaces proline 563 with serine.
Molecular consequence: missense variant.
Genome position (GRCh38, 1-based): chr15:89,326,637, G>A on the plus strand (C>T on the coding strand, the complement: POLG is on the minus strand). VCF-style: chr15-89326637-G-A. GRCh37 (hg19) VCF-style: chr15-89869868-G-A.
Other names: c.1687C>T, p.Pro563Ser (NM_001126131.2); short protein forms P563S.
Identifiers: ClinVar variation 2707223 (VCV002707223.3), dbSNP rs2509252878, ClinGen allele CA393760471.
Genomic context (GRCh38, chr15:89,326,637, plus strand): 5'-CTCTAGATACACTGCTGGGGGTGGGCAGGGCTCACCCAGGGTGTCCAGGAAGGTGCTGGG[G>A]CCGCTTGGGCAGGAGCTCTGTGGTCCCCTTCAGCTTCTGCAAGCAGGCGCGGGCCATGAC-3'
Protein context (NP_002684.1, residues 553-573): KGTTELLPKR[Pro563Ser]QHLPGHPGWY